The following is an entry in ClinVar:

NM_004100.5(EYA4):c.1903G>T (p.Glu635Ter)

Genes: TARID (TCF21 antisense RNA inducing promoter demethylation; minus strand), EYA4 (EYA transcriptional coactivator and phosphatase 4; plus strand). Cytogenetic location: 6q23.2.
Variant type: single nucleotide variant.
Coding change: c.1903G>T on transcript NM_004100.5 (MANE Select); coding-DNA position 1903, G replaced by T.
Protein change: p.Glu635Ter; replaces glutamic acid 635 with a stop codon.
Molecular consequence: nonsense.
Genome position (GRCh38, 1-based): chr6:133,528,788, G>T. VCF-style: chr6-133528788-G-T. GRCh37 (hg19) VCF-style: chr6-133849926-G-T.
Other names: c.1741G>T, p.Glu581Ter (NM_001301012.2); c.1921G>T, p.Glu641Ter (NM_001301013.2); c.1834G>T, p.Glu612Ter (NM_001370458.1, NM_172103.4); c.1759G>T, p.Glu587Ter (NM_001370459.1); c.1903G>T, p.Glu635Ter (NM_172105.4); short protein forms E581*, E587*, E612*, E635*, E641*.
Identifiers: ClinVar variation 4526435 (VCV004526435.1).

ClinVar aggregate classification (germline): Uncertain significance (1 of 4 stars; one submission).

Conditions:
Autosomal dominant nonsyndromic hearing loss 10. Identifiers: Orphanet 90635, MedGen C1832476, MONDO:0011031, OMIM 601316.

Submission:

Department of Clinical Genetics, Aarhus University Hospital
Classification: Uncertain significance for Autosomal dominant nonsyndromic hearing loss 10. Review status: criteria provided, single submitter. Criteria: ACMG Guidelines, 2015. Collection method: clinical testing. Allele origin: germline. Affected: yes.
Comment: This variant is predicted to introduce a premature termination codon and remove the last 5 amino acids. The variant is not seen in the gnomAD 4.0 database. To our knowledge the variant has not been reported in the literature in individuals affected with EYA4-conditions. The variant was found to segregate with hearing loss in 5 family members (4 informative meioses). According to the ACMG guidelines, this variant is interpreted as uncertain significance (PVS1_moderate, PM2_supporting, PP1_moderate)